The following is an entry in ClinVar:

NM_144701.3(IL23R):c.27T>G (p.Asp9Glu)

Gene: IL23R (interleukin 23 receptor; plus strand). Cytogenetic location: 1p31.3.
Variant type: single nucleotide variant.
Coding change: c.27T>G on transcript NM_144701.3 (MANE Select); coding-DNA position 27, T replaced by G.
Protein change: p.Asp9Glu; replaces aspartic acid 9 with glutamic acid.
Molecular consequence: missense variant.
Genome position (GRCh38, 1-based): chr1:67,168,147, T>G. VCF-style: chr1-67168147-T-G. GRCh37 (hg19) VCF-style: chr1-67633830-T-G.
Other names: short protein forms D9E.
Identifiers: ClinVar variation 1444532 (VCV001444532.6), dbSNP rs144070297, ClinGen allele CA899616.
Genomic context (GRCh38, chr1:67,168,147, plus strand): 5'-TCCAGAGGGAAACAGTCTTTTCCTGCTTCCAGACATGAATCAGGTCACTATTCAATGGGA[T>G]GCAGTAATAGCCCTTTACATACTCTTCAGCTGGTGTCATGGAGGTATGGTGTTTTATGTA-3'
Protein context (NP_653302.2, residues 1-19): MNQVTIQW[Asp9Glu]AVIALYILFS

ClinVar aggregate classification (germline): Uncertain significance (1 of 4 stars; one submission).

Allele frequency attached by ClinVar (database versions not stated): ExAC 0.00004; gnomAD 0.00004 and 0.00005; TOPMed 0.00004; gnomAD exomes 0.00005 and 0.00011; ESP Exome Variant Server 0.00008.
gnomAD v4.1: 156 of 1,612,110 alleles (0.0097%); highest among the groups gnomAD compares: Non-Finnish European, 0.013%; no homozygotes.

Submission:

Labcorp Genetics (formerly Invitae), Labcorp
Classification: Uncertain significance. Last evaluated: 2025-12-01. Review status: criteria provided, single submitter. Criteria: Invitae Variant Classification Sherloc (09022015). Collection method: clinical testing. Allele origin: germline.
Comment: This sequence change replaces aspartic acid, which is acidic and polar, with glutamic acid, which is acidic and polar, at codon 9 of the IL23R protein (p.Asp9Glu). This variant is present in population databases (rs144070297, gnomAD 0.01%). This variant has not been reported in the literature in individuals affected with IL23R-related conditions. ClinVar contains an entry for this variant (Variation ID: 1444532). An algorithm developed to predict the effect of missense changes on protein structure and function outputs the following: PolyPhen-2: "Possibly Damaging". The glutamic acid amino acid residue is found in multiple mammalian species, which suggests that this missense change does not adversely affect protein function. In summary, the available evidence is currently insufficient to determine the role of this variant in disease. Therefore, it has been classified as a Variant of Uncertain Significance.